The following is an entry in ClinVar:

ClinVar aggregate classification (germline): Likely benign (1 of 4 stars; one submission).

Submission:

Laboratory for Molecular Medicine, Mass General Brigham Personalized Medicine
Classification: Likely benign. Last evaluated: 2016-03-29. Review status: criteria provided, single submitter. Criteria: LMM Criteria. Collection method: clinical testing. Allele origin: germline.
Comment: Variant identified in a genome or exome case(s) and assessed due to predicted null impact of the variant or pathogenic assertions in the literature or databases. Disclaimer: This variant has not undergone full assessment. The following are preliminary notes: Silent variant not near splice site

NM_133338.3(RAD17):c.1593A>G (p.Ala531=)

Gene: RAD17 (RAD17 checkpoint clamp loader component; plus strand). Cytogenetic location: 5q13.2.
Variant type: single nucleotide variant.
Coding change: c.1593A>G on transcript NM_133338.3 (MANE Select); coding-DNA position 1593, A replaced by G.
Protein change: p.Ala531=; no amino-acid change (alanine 531 retained).
Molecular consequence: synonymous variant.
Genome position (GRCh38, 1-based): chr5:69,400,069, A>G. VCF-style: chr5-69400069-A-G. GRCh37 (hg19) VCF-style: chr5-68695896-A-G.
Other names: c.1593A>G, p.Ala531= (NM_001278622.1, NM_002873.1, NM_133342.3 and 2 more transcripts); c.1626A>G, p.Ala542= (NM_133339.2); c.1098A>G, p.Ala366= (NM_133340.2); c.1335A>G, p.Ala445= (NM_133341.2).
Identifiers: ClinVar variation 403359 (VCV000403359.4), dbSNP rs1060499892, ClinGen allele CA16609728.